The following is an entry in ClinVar:

ClinVar aggregate classification (germline): Uncertain significance (1 of 4 stars; one submission).

Conditions:
Early Myoclonic Encephalopathy. Identifiers: MedGen C0270855.

gnomAD v4.1: 3 of 1,609,448 alleles (0.00019%); highest among the groups gnomAD compares: African/African-American, 0.0013%; no homozygotes.

Submission:

Labcorp Genetics (formerly Invitae), Labcorp
Classification: Uncertain significance for Early Myoclonic Encephalopathy. Last evaluated: 2025-07-10. Review status: criteria provided, single submitter. Criteria: Invitae Variant Classification Sherloc (09022015). Collection method: clinical testing. Allele origin: germline.
Comment: This sequence change replaces alanine, which is neutral and non-polar, with valine, which is neutral and non-polar, at codon 7 of the JMJD1C protein (p.Ala7Val). This variant is not present in population databases (gnomAD no frequency). This variant has not been reported in the literature in individuals affected with JMJD1C-related conditions. An algorithm developed to predict the effect of missense changes on protein structure and function (PolyPhen-2) suggests that this variant is likely to be tolerated. In summary, the available evidence is currently insufficient to determine the role of this variant in disease. Therefore, it has been classified as a Variant of Uncertain Significance.

NM_032776.3(JMJD1C):c.20C>T (p.Ala7Val)

Genes: JMJD1C (jumonji domain containing 1C; minus strand), JMJD1C-AS1 (JMJD1C antisense RNA 1; plus strand). Cytogenetic location: 10q21.3.
Variant type: single nucleotide variant.
Coding change: c.20C>T on transcript NM_032776.3 (MANE Select); coding-DNA position 20, C replaced by T.
Protein change: p.Ala7Val; replaces alanine 7 with valine.
Molecular consequence: missense variant. On other transcripts: non-coding transcript variant (1), intron variant (2).
Genome position (GRCh38, 1-based): chr10:63,465,643, G>A on the plus strand (C>T on the coding strand, the complement: JMJD1C is on the minus strand). VCF-style: chr10-63465643-G-A. GRCh37 (hg19) VCF-style: chr10-65225403-G-A.
Other names: c.20C>T, p.Ala7Val (NM_001322252.2); c.-384+56095C>T (NM_001322258.2); c.-379+56095C>T (NM_001318154.2); short protein forms A7V.
Identifiers: ClinVar variation 4737097 (VCV004737097.1).